The following is an entry in ClinVar:

ClinVar aggregate classification (germline): Uncertain significance (1 of 4 stars; one submission).

Conditions:
Majeed syndrome (MJDS). Also called: CHRONIC RECURRENT MULTIFOCAL OSTEOMYELITIS 1, WITH CONGENITAL DYSERYTHROPOIETIC ANEMIA, WITH OR WITHOUT NEUTROPHILIC DERMATOSIS; LPIN2-Related Majeed Syndrome. Identifiers: Orphanet 77297, MedGen C1864997, MONDO:0012316, OMIM 609628.

Allele frequency attached by ClinVar (database versions not stated): gnomAD exomes below 0.00001; ExAC 0.00002.
gnomAD v4.1: 2 of 1,614,156 alleles (0.00012%); highest among the groups gnomAD compares: East Asian, 0.0022%; no homozygotes.

Submission:

Labcorp Genetics (formerly Invitae), Labcorp
Classification: Uncertain significance for Majeed syndrome. Last evaluated: 2022-02-09. Review status: criteria provided, single submitter. Criteria: Invitae Variant Classification Sherloc (09022015). Collection method: clinical testing. Allele origin: germline.
Comment: In summary, the available evidence is currently insufficient to determine the role of this variant in disease. Therefore, it has been classified as a Variant of Uncertain Significance. Algorithms developed to predict the effect of missense changes on protein structure and function (SIFT, PolyPhen-2, Align-GVGD) all suggest that this variant is likely to be tolerated. This variant has not been reported in the literature in individuals affected with LPIN2-related conditions. This variant is present in population databases (rs779638735, gnomAD 0.006%). This sequence change replaces glutamine, which is neutral and polar, with arginine, which is basic and polar, at codon 354 of the LPIN2 protein (p.Gln354Arg).

NM_001375808.2(LPIN2):c.1061A>G (p.Gln354Arg)

Gene: LPIN2 (lipin 2; minus strand). Cytogenetic location: 18p11.31.
Variant type: single nucleotide variant.
Coding change: c.1061A>G on transcript NM_001375808.2 (MANE Select); coding-DNA position 1061, A replaced by G.
Protein change: p.Gln354Arg; replaces glutamine 354 with arginine.
Molecular consequence: missense variant.
Genome position (GRCh38, 1-based): chr18:2,937,799, T>C on the plus strand (A>G on the coding strand, the complement: LPIN2 is on the minus strand). VCF-style: chr18-2937799-T-C. GRCh37 (hg19) VCF-style: chr18-2937797-T-C.
Other names: c.1061A>G, p.Gln354Arg (NM_001375809.1, NM_014646.2); short protein forms Q354R.
Identifiers: ClinVar variation 2095517 (VCV002095517.4), dbSNP rs779638735, ClinGen allele CA8873223.
Genomic context (GRCh38, chr18:2,937,799, plus strand): 5'-GAGGGCGCCTCCGCTAAGGCTGCGTTGGGAAGGTGGTCAGCATCTAACATAGATGAAATC[T>C]GAGTACTCTCAAGAGGAGGTTCGAGAAGCTCTGCCACAGATGTTGGGTCGCTCATCTGTG-3'
Protein context (NP_001362737.1, residues 344-364): ELLEPPLEST[Gln354Arg]ISSMLDADHL